The following is an entry in ClinVar:

ClinVar aggregate classification (germline): Uncertain significance (1 of 4 stars; one submission).

Conditions:
Hereditary cancer-predisposing syndrome. Also called: Hereditary Cancer Syndrome; Tumor predisposition; Hereditary neoplastic syndrome; Neoplastic Syndromes, Hereditary. Identifiers: Orphanet 140162, MedGen C0027672, MeSH D009386, MONDO:0015356.

Submission:

Ambry Genetics
Classification: Uncertain significance for Hereditary cancer-predisposing syndrome. Last evaluated: 2024-09-13. Review status: criteria provided, single submitter. Criteria: Ambry Variant Classification Scheme 2023. Collection method: clinical testing. Allele origin: germline.
Comment: The p.A4V variant (also known as c.11C>T), located in coding exon 1 of the MRE11A gene, results from a C to T substitution at nucleotide position 11. The alanine at codon 4 is replaced by valine, an amino acid with similar properties. This amino acid position is conserved. In addition, this alteration is predicted to be tolerated by in silico analysis. Based on the available evidence, the clinical significance of this variant remains unclear.

NM_005591.4(MRE11):c.11C>T (p.Ala4Val)

Gene: MRE11 (MRE11 double strand break repair nuclease; minus strand). Cytogenetic location: 11q21.
Variant type: single nucleotide variant.
Coding change: c.11C>T on transcript NM_005591.4 (MANE Select); coding-DNA position 11, C replaced by T.
Protein change: p.Ala4Val; replaces alanine 4 with valine.
Molecular consequence: missense variant.
Genome position (GRCh38, 1-based): chr11:94,492,791, G>A on the plus strand (C>T on the coding strand, the complement: MRE11 is on the minus strand). VCF-style: chr11-94492791-G-A. GRCh37 (hg19) VCF-style: chr11-94225957-G-A.
Other names: c.11C>T, p.Ala4Val (NM_001330347.2, NM_005590.4); short protein forms A4V.
Identifiers: ClinVar variation 3397862 (VCV003397862.1).